The following is an entry in ClinVar:

ClinVar aggregate classification (germline): Uncertain significance (1 of 4 stars; one submission).

Conditions:
Inborn genetic diseases. Identifiers: MedGen C0950123, MeSH D030342.

Submission:

Ambry Genetics
Classification: Uncertain significance for Inborn genetic diseases. Last evaluated: 2025-08-25. Review status: criteria provided, single submitter. Criteria: Ambry Variant Classification Scheme 2023. Collection method: clinical testing. Allele origin: germline.
Comment: The p.S353P variant (also known as c.1057T>C), located in coding exon 9 of the CEP57 gene, results from a T to C substitution at nucleotide position 1057. The serine at codon 353 is replaced by proline, an amino acid with similar properties. This amino acid position is conserved. In addition, this alteration is predicted to be tolerated by in silico analysis. Based on the available evidence, the clinical significance of this variant remains unclear.

NM_014679.5(CEP57):c.1057T>C (p.Ser353Pro)

Gene: CEP57 (centrosomal protein 57; plus strand). Cytogenetic location: 11q21.
Variant type: single nucleotide variant.
Coding change: c.1057T>C on transcript NM_014679.5 (MANE Select); coding-DNA position 1057, T replaced by C.
Protein change: p.Ser353Pro; replaces serine 353 with proline.
Molecular consequence: missense variant.
Genome position (GRCh38, 1-based): chr11:95,827,957, T>C. VCF-style: chr11-95827957-T-C. GRCh37 (hg19) VCF-style: chr11-95561121-T-C.
Other names: c.976T>C, p.Ser326Pro (NM_001363604.2, NM_001440869.1, NM_001440870.1); c.949T>C, p.Ser317Pro (NM_001440871.1); c.940T>C, p.Ser314Pro (NM_001440872.1); c.877T>C, p.Ser293Pro (NM_001440873.1); c.871T>C, p.Ser291Pro (NM_001440874.1); c.868T>C, p.Ser290Pro (NM_001440875.1); c.862T>C, p.Ser288Pro (NM_001440876.1); c.1030T>C, p.Ser344Pro (NM_001243776.2); and 6 more; short protein forms S278P, S314P, S252P, S266P, S290P, S353P, S317P, S327P.
Identifiers: ClinVar variation 4226389 (VCV004226389.1).